The following is an entry in ClinVar:

ClinVar aggregate classification (germline): Uncertain significance. Review status: criteria provided, multiple submitters, no conflicts (2 of 4 stars). 2 submissions from 2 submitters: Uncertain significance (2). Last evaluated 2025-11-18.

Allele frequency attached by ClinVar (database versions not stated): TOPMed below 0.00001; gnomAD exomes 0.00001; gnomAD 0.00002.
gnomAD v4.1: 18 of 1,614,020 alleles (0.0011%); highest among the groups gnomAD compares: Non-Finnish European, 0.0014%; no homozygotes.

Submissions (2):

Labcorp Genetics (formerly Invitae), Labcorp
Classification: Uncertain significance. Last evaluated: 2025-11-18. Review status: criteria provided, single submitter. Criteria: Invitae Variant Classification Sherloc (09022015). Collection method: clinical testing. Allele origin: germline.
Comment: This sequence change replaces glutamic acid, which is acidic and polar, with lysine, which is basic and polar, at codon 1282 of the NPAT protein (p.Glu1282Lys). This variant is present in population databases (rs369127683, gnomAD 0.002%). This variant has not been reported in the literature in individuals affected with NPAT-related conditions. ClinVar contains an entry for this variant (Variation ID: 2329666). An algorithm developed to predict the effect of missense changes on protein structure and function (PolyPhen-2) suggests that this variant is likely to be tolerated. In summary, the available evidence is currently insufficient to determine the role of this variant in disease. Therefore, it has been classified as a Variant of Uncertain Significance.

Ambry Genetics
Classification: Uncertain significance. Last evaluated: 2022-09-06. Review status: criteria provided, single submitter. Criteria: Ambry Variant Classification Scheme 2023. Collection method: clinical testing. Allele origin: germline.

NM_002519.3(NPAT):c.3844G>A (p.Glu1282Lys)

Gene: NPAT (nuclear protein, coactivator of histone transcription; minus strand). Cytogenetic location: 11q22.3.
Variant type: single nucleotide variant.
Coding change: c.3844G>A on transcript NM_002519.3 (MANE Select); coding-DNA position 3844, G replaced by A.
Protein change: p.Glu1282Lys; replaces glutamic acid 1282 with lysine.
Molecular consequence: missense variant.
Genome position (GRCh38, 1-based): chr11:108,161,242, C>T on the plus strand (G>A on the coding strand, the complement: NPAT is on the minus strand). VCF-style: chr11-108161242-C-T. GRCh37 (hg19) VCF-style: chr11-108031969-C-T.
Other names: c.3865G>A, p.Glu1289Lys (NM_001321307.1); short protein forms E1282K, E1289K.
Identifiers: ClinVar variation 2329666 (VCV002329666.3), dbSNP rs369127683, ClinGen allele CA6263513.
Genomic context (GRCh38, chr11:108,161,242, plus strand): 5'-ATGTACTACTGTCTTCACTGAAACGCCTACTAGAGGGGGCCTTGATAATATCTATAGGTT[C>T]TTCTTTATGTTTTTCCCCTGCCCCTGAGCCAGGTGTCCGGGGCACAGGTAAATCACTACT-3'
Protein context (NP_002510.2, residues 1272-1292): GSGAGEKHKE[Glu1282Lys]PIDIIKAPSS